The following is an entry in ClinVar:

NM_001036.6(RYR3):c.80C>A (p.Ala27Asp)

Gene: RYR3 (ryanodine receptor 3; plus strand). Cytogenetic location: 15q14.
Variant type: single nucleotide variant.
Coding change: c.80C>A on transcript NM_001036.6 (MANE Select); coding-DNA position 80, C replaced by A.
Protein change: p.Ala27Asp; replaces alanine 27 with aspartic acid.
Molecular consequence: missense variant.
Genome position (GRCh38, 1-based): chr15:33,473,447, C>A. VCF-style: chr15-33473447-C-A. GRCh37 (hg19) VCF-style: chr15-33765648-C-A.
Other names: c.80C>A, p.Ala27Asp (NM_001243996.4); short protein forms A27D.
Identifiers: ClinVar variation 962923 (VCV000962923.9), dbSNP rs374964000, ClinGen allele CA7457695.

ClinVar aggregate classification (germline): Uncertain significance (1 of 4 stars; one submission).

Conditions:
Epileptic encephalopathy. Identifiers: MedGen C0543888, HP:0200134.

Allele frequency attached by ClinVar (database versions not stated): ExAC 0.00001; gnomAD exomes 0.00001; TOPMed 0.00001; ESP Exome Variant Server 0.00008.
gnomAD v4.1: 18 of 1,613,864 alleles (0.0011%); highest among the groups gnomAD compares: Non-Finnish European, 0.0014%; no homozygotes.

Submission:

Labcorp Genetics (formerly Invitae), Labcorp
Classification: Uncertain significance for Epileptic encephalopathy. Last evaluated: 2020-04-20. Review status: criteria provided, single submitter. Criteria: Invitae Variant Classification Sherloc (09022015). Collection method: clinical testing. Allele origin: germline.
Comment: In summary, the available evidence is currently insufficient to determine the role of this variant in disease. Therefore, it has been classified as a Variant of Uncertain Significance. Algorithms developed to predict the effect of missense changes on protein structure and function are either unavailable or do not agree on the potential impact of this missense change (SIFT: "Deleterious"; PolyPhen-2: "Probably Damaging"; Align-GVGD: "Class C0"). This variant has not been reported in the literature in individuals with RYR3-related conditions. This variant is present in population databases (rs374964000, ExAC 0.001%). This sequence change replaces alanine with aspartic acid at codon 27 of the RYR3 protein (p.Ala27Asp). The alanine residue is moderately conserved and there is a moderate physicochemical difference between alanine and aspartic acid.